The following is an entry in ClinVar:

ClinVar aggregate classification (germline): Uncertain significance (1 of 4 stars; one submission).

Conditions:
Leber congenital amaurosis 9 (LCA9). Also called: LCA9 Leber Congenital Amaurosis; LCA 9; Amaurosis congenita of Leber, type 9. Identifiers: Orphanet 65, MedGen C1837873, MONDO:0012056, OMIM 608553.

Submission:

Labcorp Genetics (formerly Invitae), Labcorp
Classification: Uncertain significance for Leber congenital amaurosis 9. Last evaluated: 2026-01-21. Review status: criteria provided, single submitter. Criteria: Invitae Variant Classification Sherloc (09022015). Collection method: clinical testing. Allele origin: germline.
Comment: This sequence change replaces serine, which is neutral and polar, with asparagine, which is neutral and polar, at codon 87 of the NMNAT1 protein (p.Ser87Asn). This variant is not present in population databases (gnomAD no frequency). This missense change has been observed in individual(s) with clinical features of NMNAT1-related conditions (internal data). In at least one individual the data is consistent with being in trans (on the opposite chromosome) from a pathogenic variant. Invitae Evidence Modeling of protein sequence and biophysical properties (such as structural, functional, and spatial information, amino acid conservation, physicochemical variation, residue mobility, and thermodynamic stability) has been performed for this missense variant. However, the output from this modeling did not meet the statistical confidence thresholds required to predict the impact of this variant on NMNAT1 protein function. In summary, the available evidence is currently insufficient to determine the role of this variant in disease. Therefore, it has been classified as a Variant of Uncertain Significance.

NM_022787.4(NMNAT1):c.260G>A (p.Ser87Asn)

Gene: NMNAT1 (nicotinamide nucleotide adenylyltransferase 1; plus strand). Cytogenetic location: 1p36.22.
Variant type: single nucleotide variant.
Coding change: c.260G>A on transcript NM_022787.4 (MANE Select); coding-DNA position 260, G replaced by A.
Protein change: p.Ser87Asn; replaces serine 87 with asparagine.
Molecular consequence: missense variant.
Genome position (GRCh38, 1-based): chr1:9,975,736, G>A. VCF-style: chr1-9975736-G-A. GRCh37 (hg19) VCF-style: chr1-10035794-G-A.
Other names: c.260G>A, p.Ser87Asn (NM_001297778.1, NM_001297779.2); short protein forms S87N.
Identifiers: ClinVar variation 4743282 (VCV004743282.1).
Genomic context (GRCh38, chr1:9,975,736, plus strand): 5'-TCATCATGGCAGAACTTGCTACCAAGAATTCTAAATGGGTGGAAGTTGATACATGGGAAA[G>A]TCTTCAGAAGGAGTGGAAAGAGACTCTGAAGGTGCTAAGGTATTTATGGTGTAATCAACT-3'
Protein context (NP_073624.2, residues 77-97): SKWVEVDTWE[Ser87Asn]LQKEWKETLK